The following is an entry in ClinVar:

NM_016122.3(CEP83):c.1411C>T (p.Leu471=)

Gene: CEP83 (centrosomal protein 83; minus strand). Cytogenetic location: 12q22.
Variant type: single nucleotide variant.
Coding change: c.1411C>T on transcript NM_016122.3 (MANE Select); coding-DNA position 1411, C replaced by T.
Protein change: p.Leu471=; no amino-acid change (leucine 471 retained).
Molecular consequence: synonymous variant. On other transcripts: non-coding transcript variant (2).
Genome position (GRCh38, 1-based): chr12:94,335,597, G>A on the plus strand (C>T on the coding strand, the complement: CEP83 is on the minus strand). VCF-style: chr12-94335597-G-A. GRCh37 (hg19) VCF-style: chr12-94729373-G-A.
Other names: p.Leu471=; c.1411C>T, p.Leu471= (NM_001042399.2, NM_001346457.2, NM_001368037.1 and 1 more transcripts); c.1099C>T, p.Leu367= (NM_001346458.2, NM_001346459.2, NM_001368039.1 and 1 more transcripts); c.1186C>T, p.Leu396= (NM_001368041.1).
Identifiers: ClinVar variation 474961 (VCV000474961.17), dbSNP rs139046818, ClinGen allele CA6721656.

ClinVar aggregate classification (germline): Benign/Likely benign. Review status: criteria provided, multiple submitters, no conflicts (2 of 4 stars). 5 submissions from 5 submitters: Benign (2); Likely benign (3). Last evaluated 2026-01-29.

Conditions:
Nephronophthisis 18 (NPHP18). Identifiers: Orphanet 655, MedGen C3890591, MONDO:0014374, OMIM 615862.

Allele frequency attached by ClinVar (database versions not stated): gnomAD exomes 0.01160 and 0.01835; TOPMed 0.01189; gnomAD 0.01198 and 0.01207; ESP Exome Variant Server 0.01465; ExAC 0.01693; 1000 Genomes Project 0.00659; 1000 Genomes Project 30x 0.00703.
gnomAD v4.1: 27,430 of 1,562,332 alleles (1.8%); highest among the groups gnomAD compares: Non-Finnish European, 2.2%; 304 homozygotes.

Submissions (5):

Labcorp Genetics (formerly Invitae), Labcorp
Classification: Benign for Nephronophthisis 18. Last evaluated: 2026-01-29. Review status: criteria provided, single submitter. Criteria: Invitae Variant Classification Sherloc (09022015). Collection method: clinical testing. Allele origin: germline.

Blueprint Genetics
Classification: Likely benign. Last evaluated: 2024-11-27. Review status: criteria provided, single submitter. Criteria: ACMG Guidelines, 2015. Collection method: clinical testing. Allele origin: germline.

Mayo Clinic Laboratories, Mayo Clinic
Classification: Benign. Last evaluated: 2022-11-10. Review status: criteria provided, single submitter. Criteria: ACMG Guidelines, 2015. Collection method: clinical testing. Allele origin: germline. Observed: 8 variant alleles.
Comment: BS1, BS2, BP4, BP7

GeneDx
Classification: Likely benign. Last evaluated: 2021-02-16. Review status: criteria provided, single submitter. Criteria: GeneDx Variant Classification Process June 2021. Collection method: clinical testing. Allele origin: germline. Affected: yes.

Breakthrough Genomics
Classification: Likely benign. Review status: criteria provided, single submitter. Criteria: ACMG Guidelines, 2015. Collection method: not provided. Allele origin: germline. Inheritance: Autosomal recessive inheritance. Affected: yes.